The following is an entry in ClinVar:

NM_001035.3(RYR2):c.14398G>A (p.Asp4800Asn)

Gene: RYR2 (ryanodine receptor 2; plus strand). Cytogenetic location: 1q43.
Variant type: single nucleotide variant.
Coding change: c.14398G>A on transcript NM_001035.3 (MANE Select); coding-DNA position 14398, G replaced by A.
Protein change: p.Asp4800Asn; replaces aspartic acid 4800 with asparagine.
Molecular consequence: missense variant.
Genome position (GRCh38, 1-based): chr1:237,809,000, G>A. VCF-style: chr1-237809000-G-A. GRCh37 (hg19) VCF-style: chr1-237972300-G-A.
Other names: short protein forms D4800N.
Identifiers: ClinVar variation 927281 (VCV000927281.5), dbSNP rs1660967126, ClinGen allele CA345424435.
Genomic context (GRCh38, chr1:237,809,000, plus strand): 5'-CTATACACTGTGGTGGCATTCAATTTTTTCCGAAAATTCTACAATAAAAGTGAAGATGGT[G>A]ATACACCAGATATGAAATGTGACGATATGCTAACAGTAAGTTCATAACCTTTGATCTCAC-3'
Protein context (NP_001026.2, residues 4790-4810): RKFYNKSEDG[Asp4800Asn]TPDMKCDDML

ClinVar aggregate classification (germline): Uncertain significance (1 of 4 stars; one submission).

Conditions:
Cardiomyopathy (CMYO). Also called: Cardiomyopathies. Identifiers: Orphanet 167848, MedGen C0878544, MONDO:0004994, HP:0001638. Inheritance: Various modes of inheritance.

Allele frequency attached by ClinVar (database versions not stated): gnomAD exomes below 0.00001.
gnomAD v4.1: 2 of 1,613,424 alleles (0.00012%); highest among the groups gnomAD compares: Non-Finnish European, 0.00017%; no homozygotes.

Submission:

Color Diagnostics, LLC DBA Color Health
Classification: Uncertain significance for Cardiomyopathy. Last evaluated: 2023-12-05. Review status: criteria provided, single submitter. Criteria: ACMG Guidelines, 2015. Collection method: clinical testing. Allele origin: germline.
Comment: This missense variant replaces aspartic acid with asparagine at codon 4800 of the RYR2 protein. Computational prediction tools and conservation analyses suggest that this variant may have deleterious impact on the protein function. Computational splicing tools suggest that this variant may not impact RNA splicing. To our knowledge, functional assays have not been performed for this variant nor has this variant been reported in individuals affected with cardiovascular disorders in the literature. This variant has not been identified in the general population by the Genome Aggregation Database (gnomAD). Available evidence is insufficient to determine the role of this variant in disease conclusively. Therefore, this variant is classified as a Variant of Uncertain Significance.